The following is an entry in ClinVar:

NM_023110.3(FGFR1):c.1568_1569dup (p.Asp524fs)

Gene: FGFR1 (fibroblast growth factor receptor 1; minus strand). Cytogenetic location: 8p11.23.
Variant type: Duplication.
Coding change: c.1568_1569dup on transcript NM_023110.3 (MANE Select); coding-DNA positions 1568 to 1569, 2 bases duplicated (AA; older notation c.1568_1569dupAA).
Protein change: p.Asp524fs; shifts the reading frame from aspartic acid 524.
Molecular consequence: frameshift variant.
Genome position (GRCh38, 1-based): chr8:38,417,400-38,417,401, TT duplicated on the plus strand (AA on the coding strand, the reverse complement: FGFR1 is on the minus strand); duplicating any 2 consecutive bases within chr8:38,417,400-38,417,402 gives the same sequence; the c. name uses the placement nearest the transcript's 3' end. VCF-style (leftmost placement, unchanged base first): chr8-38417399-C-CTT. GRCh37 (hg19) VCF-style: chr8-38274917-C-CTT.
Other names: c.1567_1568dup, p.Asp524Lysfs (NM_000604.2); c.1562_1563dup, p.Asp522fs (NM_001174063.2, NM_001174065.2, NM_001354367.2 and 1 more transcripts); c.1538_1539dup, p.Asp514fs (NM_001174064.2); c.1301_1302dup, p.Asp435fs (NM_001174066.2, NM_023105.3); c.1661_1662dup, p.Asp555fs (NM_001174067.2); c.1289_1290dup, p.Asp431fs (NM_001354368.2); c.1556_1557dup, p.Asp520fs (NM_001354369.2); c.1295_1296dup, p.Asp433fs (NM_001354370.2, NM_023106.3); and 1 more; short protein forms D431fs, D433fs, D435fs, D514fs, D555fs, D520fs, D524fs, D522fs.
Identifiers: ClinVar variation 2097346 (VCV002097346.4), dbSNP rs2536893785, ClinGen allele CA2580078251.

ClinVar aggregate classification (germline): Pathogenic (1 of 4 stars; one submission).

Conditions:
Hypogonadotropic hypogonadism 2 with or without anosmia (HH2). Also called: HYPOGONADOTROPIC HYPOGONADISM 2 WITHOUT ANOSMIA; HYPOGONADOTROPIC HYPOGONADISM 2 WITH OR WITHOUT ANOSMIA, SUSCEPTIBILITY TO; HYPOGONADOTROPIC HYPOGONADISM 2 WITHOUT ANOSMIA, SUSCEPTIBILITY TO; FGFR1-Related GnRH Deficiency (Kallmann Syndrome 2). Identifiers: Orphanet 478, MedGen C1563720, MONDO:0007844, OMIM 147950. Disease mechanism: loss of function.
Pfeiffer syndrome (ACS5). Also called: ACS V. Identifiers: Orphanet 710, MedGen C0220658, MONDO:0007043, OMIM 101600.

Submission:

Labcorp Genetics (formerly Invitae), Labcorp
Classification: Pathogenic for Pfeiffer syndrome; Hypogonadotropic hypogonadism 2 with or without anosmia. Last evaluated: 2022-06-10. Review status: criteria provided, single submitter. Criteria: Invitae Variant Classification Sherloc (09022015). Collection method: clinical testing. Allele origin: germline.
Comment: For these reasons, this variant has been classified as Pathogenic. This variant has not been reported in the literature in individuals affected with FGFR1-related conditions. This variant is not present in population databases (gnomAD no frequency). This sequence change creates a premature translational stop signal (p.Asp524Lysfs*6) in the FGFR1 gene. It is expected to result in an absent or disrupted protein product. Loss-of-function variants in FGFR1 are known to be pathogenic (PMID: 12627230).

Literature cited by the submitters: PubMed 12627230.